The following is an entry in ClinVar:

ClinVar aggregate classification (germline): Uncertain significance. Review status: criteria provided, multiple submitters, no conflicts (2 of 4 stars). 3 submissions from 3 submitters: Uncertain significance (3). Last evaluated 2025-11-19.

Conditions:
Cognitive impairment - coarse facies - heart defects - obesity - pulmonary involvement - short stature - skeletal dysplasia syndrome. Also called: AFF4-Related CHOPS Syndrome; COGNITIVE IMPAIRMENT, COARSE FACIES, HEART DEFECTS, OBESITY, PULMONARY INVOLVEMENT, SHORT STATURE, AND SKELETAL DYSPLASIA; Chops syndrome. Identifiers: Orphanet 444077, MedGen C4085597, MONDO:0014609, OMIM 616368.
Inborn genetic diseases. Identifiers: MedGen C0950123, MeSH D030342.
AFF4-related disorder. Also called: AFF4-related condition.

gnomAD v4.1: 91 of 1,612,800 alleles (0.0056%); highest among the groups gnomAD compares: Non-Finnish European, 0.0076%; no homozygotes.

Submissions (3):

PreventionGenetics, part of Exact Sciences
Classification: Uncertain significance for AFF4-related condition. Last evaluated: 2025-11-19. Review status: criteria provided, single submitter. Criteria: ACMG Guidelines, 2015. Collection method: clinical testing. Allele origin: germline.
Comment: The AFF4 c.2411G>A variant is predicted to result in the amino acid substitution p.Ser804Asn. To our knowledge, this variant has not been reported in the literature. This variant is reported in 0.0044% of alleles in individuals of European (Non-Finnish) descent in gnomAD. At this time, the clinical significance of this variant is uncertain due to the absence of conclusive functional and genetic evidence.

Labcorp Genetics (formerly Invitae), Labcorp
Classification: Uncertain significance for Cognitive impairment - coarse facies - heart defects - obesity - pulmonary involvement - short stature - skeletal dysplasia syndrome. Last evaluated: 2025-04-13. Review status: criteria provided, single submitter. Criteria: Invitae Variant Classification Sherloc (09022015). Collection method: clinical testing. Allele origin: germline.
Comment: This sequence change replaces serine, which is neutral and polar, with asparagine, which is neutral and polar, at codon 804 of the AFF4 protein (p.Ser804Asn). This variant is present in population databases (rs770873257, gnomAD 0.005%). This variant has not been reported in the literature in individuals affected with AFF4-related conditions. ClinVar contains an entry for this variant (Variation ID: 3504176). Invitae Evidence Modeling of protein sequence and biophysical properties (such as structural, functional, and spatial information, amino acid conservation, physicochemical variation, residue mobility, and thermodynamic stability) indicates that this missense variant is not expected to disrupt AFF4 protein function with a negative predictive value of 80%. In summary, the available evidence is currently insufficient to determine the role of this variant in disease. Therefore, it has been classified as a Variant of Uncertain Significance.

Ambry Genetics
Classification: Uncertain significance for Inborn genetic diseases. Last evaluated: 2024-10-09. Review status: criteria provided, single submitter. Criteria: Ambry Variant Classification Scheme 2023. Collection method: clinical testing. Allele origin: germline.

NM_014423.4(AFF4):c.2411G>A (p.Ser804Asn)

Gene: AFF4 (ALF transcription elongation factor 4; minus strand). Cytogenetic location: 5q31.1.
Variant type: single nucleotide variant.
Coding change: c.2411G>A on transcript NM_014423.4 (MANE Select); coding-DNA position 2411, G replaced by A.
Protein change: p.Ser804Asn; replaces serine 804 with asparagine.
Molecular consequence: missense variant.
Genome position (GRCh38, 1-based): chr5:132,892,390, C>T on the plus strand (G>A on the coding strand, the complement: AFF4 is on the minus strand). VCF-style: chr5-132892390-C-T. GRCh37 (hg19) VCF-style: chr5-132228082-C-T.
Other names: short protein forms S804N.
Identifiers: ClinVar variation 3504176 (VCV003504176.3).